The following is an entry in ClinVar:

NM_000548.5(TSC2):c.2698T>C (p.Cys900Arg)

Gene: TSC2 (TSC complex subunit 2; plus strand). Cytogenetic location: 16p13.3.
Variant type: single nucleotide variant.
Coding change: c.2698T>C on transcript NM_000548.5 (MANE Select); coding-DNA position 2698, T replaced by C.
Protein change: p.Cys900Arg; replaces cysteine 900 with arginine.
Molecular consequence: missense variant.
Genome position (GRCh38, 1-based): chr16:2,076,126, T>C. VCF-style: chr16-2076126-T-C. GRCh37 (hg19) VCF-style: chr16-2126127-T-C.
Other names: c.2698T>C, p.Cys900Arg (NM_001077183.3, NM_001114382.3, NM_001363528.2 and 6 more transcripts); c.2587T>C, p.Cys863Arg (NM_001318827.2, NM_001406670.1, NM_001406678.1); c.2551T>C, p.Cys851Arg (NM_001318829.2, NM_001406675.1, NM_001406676.1 and 1 more transcripts); c.2098T>C, p.Cys700Arg (NM_001318831.2, NM_001406680.1, NM_001406682.1 and 6 more transcripts); c.2731T>C, p.Cys911Arg (NM_001318832.2); c.2788T>C, p.Cys930Arg (NM_001406667.1, NM_001406668.1); c.2641T>C, p.Cys881Arg (NM_001406677.1); c.1354T>C, p.Cys452Arg (NM_001406689.1, NM_001406690.1, NM_001406691.1 and 6 more transcripts); and 3 more; short protein forms C452R, C900R, C930R, C896R, C700R, C851R, C863R, C911R.
Identifiers: ClinVar variation 2037148 (VCV002037148.4), dbSNP rs1354917235, ClinGen allele CA394279428.
Genomic context (GRCh38, chr16:2,076,126, plus strand): 5'-AGGTTTAATCAGTACATCGTGTGTCTGGCCCATCACGTCATAGCCATGTGGTTCATCAGG[T>C]GCCGCCTGCCCTTCCGGAAGGATTTTGTCCCTTTCATCACTAAGGTGGGCTCAGGGCCGG-3'
Protein context (NP_000539.2, residues 890-910): HHVIAMWFIR[Cys900Arg]RLPFRKDFVP

ClinVar aggregate classification (germline): Uncertain significance (1 of 4 stars; one submission).

Conditions:
Tuberous sclerosis 2 (TSC2). Identifiers: Orphanet 805, MedGen C1860707, MONDO:0013199, OMIM 613254.

Submission:

Labcorp Genetics (formerly Invitae), Labcorp
Classification: Uncertain significance for Tuberous sclerosis 2. Last evaluated: 2022-02-21. Review status: criteria provided, single submitter. Criteria: Invitae Variant Classification Sherloc (09022015). Collection method: clinical testing. Allele origin: germline.
Comment: In summary, the available evidence is currently insufficient to determine the role of this variant in disease. Therefore, it has been classified as a Variant of Uncertain Significance. This variant disrupts the p.Cys900 amino acid residue in TSC2. Other variant(s) that disrupt this residue have been determined to be pathogenic (PMID: 29432982; Invitae). This suggests that this residue is clinically significant, and that variants that disrupt this residue are likely to be disease-causing. Algorithms developed to predict the effect of sequence changes on RNA splicing suggest that this variant may create or strengthen a splice site. Advanced modeling of protein sequence and biophysical properties (such as structural, functional, and spatial information, amino acid conservation, physicochemical variation, residue mobility, and thermodynamic stability) performed at Invitae indicates that this missense variant is expected to disrupt TSC2 protein function. This variant has not been reported in the literature in individuals affected with TSC2-related conditions. This variant is not present in population databases (gnomAD no frequency). This sequence change replaces cysteine, which is neutral and slightly polar, with arginine, which is basic and polar, at codon 900 of the TSC2 protein (p.Cys900Arg).

Literature cited by the submitters: PubMed 29432982.